The following is an entry in ClinVar:

ClinVar aggregate classification (germline): Benign/Likely benign. Review status: criteria provided, multiple submitters, no conflicts (2 of 4 stars). 2 submissions from 2 submitters: Benign (1); Likely benign (1). Last evaluated 2025-10-08.

Conditions:
Hereditary cancer-predisposing syndrome. Also called: Neoplastic Syndromes, Hereditary; Tumor predisposition; Hereditary neoplastic syndrome; Hereditary Cancer Syndrome. Identifiers: Orphanet 140162, MedGen C0027672, MeSH D009386, MONDO:0015356.
Familial adenomatous polyposis 1 (FAP1). Also called: POLYPOSIS, ADENOMATOUS INTESTINAL; FAMILIAL ADENOMATOUS POLYPOSIS 1, ATTENUATED. Identifiers: MedGen C2713442, MONDO:0021056, OMIM 175100. Disease mechanism: loss of function.

Submissions (2):

Ambry Genetics
Classification: Likely benign for Hereditary cancer-predisposing syndrome. Last evaluated: 2025-10-08. Review status: criteria provided, single submitter. Criteria: Ambry Variant Classification Scheme 2023. Collection method: clinical testing. Allele origin: germline.

Myriad Genetics, Inc.
Classification: Benign for Familial adenomatous polyposis 1. Last evaluated: 2024-03-27. Review status: criteria provided, single submitter. Criteria: Myriad Autosomal Dominant, Autosomal Recessive and X-Linked Classification Criteria (2023). Collection method: clinical testing. Allele origin: unknown.
Comment: This variant is considered benign. This variant is a silent/synonymous amino acid change and it is not expected to impact splicing.

NM_000038.6(APC):c.4719A>G (p.Glu1573=)

Gene: APC (APC regulator of Wnt signaling pathway; plus strand). Cytogenetic location: 5q22.2.
Variant type: single nucleotide variant.
Coding change: c.4719A>G on transcript NM_000038.6 (MANE Select); coding-DNA position 4719, A replaced by G.
Protein change: p.Glu1573=; no amino-acid change (glutamic acid 1573 retained).
Molecular consequence: synonymous variant. On other transcripts: non-coding transcript variant (2).
Genome position (GRCh38, 1-based): chr5:112,840,313, A>G. VCF-style: chr5-112840313-A-G. GRCh37 (hg19) VCF-style: chr5-112176010-A-G.
Other names: c.4719A>G (NM_000038.5); c.4542A>G, p.Glu1514= (NM_001354901.2, NM_001407453.1); c.4446A>G, p.Glu1482= (NM_001354902.2); c.4416A>G, p.Glu1472= (NM_001354903.2, NM_001407458.1, NM_001407459.1 and 1 more transcripts); c.4341A>G, p.Glu1447= (NM_001354904.2); c.4239A>G, p.Glu1413= (NM_001354905.2); c.3870A>G, p.Glu1290= (NM_001354906.2, NM_001407470.1); c.4803A>G, p.Glu1601= (NM_001407446.1); and 12 more.
Identifiers: ClinVar variation 3148141 (VCV003148141.2), dbSNP rs1266445232, ClinGen allele CA446206689.